The following is an entry in ClinVar:

ClinVar aggregate classification (germline): Uncertain significance. Review status: criteria provided, multiple submitters, no conflicts (2 of 4 stars). 2 submissions from 2 submitters: Uncertain significance (2). Last evaluated 2024-01-12.

Conditions:
Joubert syndrome 3 (JBTS3). Also called: AHI1-related Ciliopathy. Identifiers: Orphanet 220493, MedGen C1837713, MONDO:0012078, OMIM 608629.
Joubert syndrome. Also called: CEREBELLOPARENCHYMAL DISORDER IV; JOUBERT-BOLTSHAUSER SYNDROME; Familial aplasia of the vermis. Identifiers: Orphanet 475, MedGen C5979921, MONDO:0018772.

Allele frequency attached by ClinVar (database versions not stated): gnomAD 0.00001; TOPMed 0.00001.
gnomAD v4.1: 2 of 1,478,376 alleles (0.00014%); highest among the groups gnomAD compares: Non-Finnish European, 0.00018%; no homozygotes.

Submissions (2):

Fulgent Genetics
Classification: Uncertain significance for Joubert syndrome 3. Last evaluated: 2024-01-12. Review status: criteria provided, single submitter. Criteria: ACMG Guidelines, 2015. Collection method: clinical testing. Allele origin: germline.

Labcorp Genetics (formerly Invitae), Labcorp
Classification: Uncertain significance for Joubert syndrome. Last evaluated: 2022-02-10. Review status: criteria provided, single submitter. Criteria: Invitae Variant Classification Sherloc (09022015). Collection method: clinical testing. Allele origin: germline.
Comment: This sequence change replaces valine, which is neutral and non-polar, with isoleucine, which is neutral and non-polar, at codon 243 of the AHI1 protein (p.Val243Ile). This variant is not present in population databases (gnomAD no frequency). This variant has not been reported in the literature in individuals affected with AHI1-related conditions. Advanced modeling of protein sequence and biophysical properties (such as structural, functional, and spatial information, amino acid conservation, physicochemical variation, residue mobility, and thermodynamic stability) performed at Invitae indicates that this missense variant is not expected to disrupt AHI1 protein function. In summary, the available evidence is currently insufficient to determine the role of this variant in disease. Therefore, it has been classified as a Variant of Uncertain Significance.

NM_001134831.2(AHI1):c.727G>A (p.Val243Ile)

Gene: AHI1 (Abelson helper integration site 1; minus strand). Cytogenetic location: 6q23.3.
Variant type: single nucleotide variant.
Coding change: c.727G>A on transcript NM_001134831.2 (MANE Select); coding-DNA position 727, G replaced by A.
Protein change: p.Val243Ile; replaces valine 243 with isoleucine.
Molecular consequence: missense variant.
Genome position (GRCh38, 1-based): chr6:135,465,836, C>T on the plus strand (G>A on the coding strand, the complement: AHI1 is on the minus strand). VCF-style: chr6-135465836-C-T. GRCh37 (hg19) VCF-style: chr6-135786974-C-T.
Other names: c.727G>A (NM_017651.4); c.727G>A, p.Val243Ile (NM_001134830.2, NM_001134832.2, NM_001350503.2 and 2 more transcripts); short protein forms V243I.
Identifiers: ClinVar variation 1981239 (VCV001981239.2), dbSNP rs1343456087, ClinGen allele CA365750470.
Genomic context (GRCh38, chr6:135,465,836, plus strand): 5'-TCTAAGAGGATATTTTACATTTATCAATGCAAAAATACCTTGTTTCAGCTTTAGAGAAGA[C>T]TGGAACTTCCTTTTTCTTTTTCCTTTTTTCACTGCTTAGTTTGTCATCATGGAATAAAGT-3'
Protein context (NP_001128303.1, residues 233-253): EKRKKKKEVP[Val243Ile]FSKAETSTLT